The following is an entry in ClinVar:

NM_025099.6(CTC1):c.2831dup (p.His945fs)

Gene: CTC1 (CST telomere replication complex component 1; minus strand). Cytogenetic location: 17p13.1.
Variant type: Duplication.
Coding change: c.2831dup on transcript NM_025099.6 (MANE Select); coding-DNA position 2831, one base duplicated (C; older notation c.2831dupC).
Protein change: p.His945fs; shifts the reading frame from histidine 945.
Molecular consequence: frameshift variant. On other transcripts: non-coding transcript variant (1).
Genome position (GRCh38, 1-based): chr17:8,230,396, G duplicated on the plus strand (C on the coding strand, the reverse complement: CTC1 is on the minus strand); the first of 6 consecutive G bases (chr17:8,230,396-8,230,401); duplicating any one gives the same sequence. VCF-style (leftmost placement, unchanged base first): chr17-8230395-A-AG. GRCh37 (hg19) VCF-style: chr17-8133713-A-AG.
Other names: c.2831dupC (NM_025099.5); short protein forms H945fs.
Identifiers: ClinVar variation 840769 (VCV000840769.10), dbSNP rs199473677, ClinGen allele CA8371957.

ClinVar aggregate classification (germline): Pathogenic/Likely pathogenic. Review status: criteria provided, multiple submitters, no conflicts (2 of 4 stars). 4 submissions from 4 submitters: Pathogenic (2); Likely pathogenic (2). Last evaluated 2023-12-25.

Conditions:
CTC1-related disorder. Also called: CTC1-related condition.
Dyskeratosis congenita. Identifiers: Orphanet 1775, MedGen C0265965, MONDO:0015780.
Cerebroretinal microangiopathy with calcifications and cysts 1 (CRMCC1). Identifiers: Orphanet 313838, MedGen C4552029, MONDO:0024564, OMIM 612199.

Submissions (4):

Labcorp Genetics (formerly Invitae), Labcorp
Classification: Pathogenic for Dyskeratosis congenita. Last evaluated: 2023-12-25. Review status: criteria provided, single submitter. Criteria: Invitae Variant Classification Sherloc (09022015). Collection method: clinical testing. Allele origin: germline.
Comment: This sequence change creates a premature translational stop signal (p.His945Serfs*56) in the CTC1 gene. It is expected to result in an absent or disrupted protein product. Loss-of-function variants in CTC1 are known to be pathogenic (PMID: 22267198, 22387016). This variant is present in population databases (rs779650334, gnomAD 0.003%). This premature translational stop signal has been observed in individual(s) with Coats plus syndrome (PMID: 22267198). ClinVar contains an entry for this variant (Variation ID: 840769). For these reasons, this variant has been classified as Pathogenic.

Blueprint Genetics
Classification: Likely pathogenic for CTC1-related disorders. Last evaluated: 2023-06-07. Review status: criteria provided, single submitter. Criteria: ACMG Guidelines, 2015. Collection method: clinical testing. Allele origin: germline. Affected: yes. Observed: 1 variant allele.

Women's Health and Genetics/Laboratory Corporation of America, LabCorp
Classification: Likely pathogenic for Cerebroretinal microangiopathy with calcifications and cysts 1. Last evaluated: 2023-04-17. Review status: criteria provided, single submitter. Criteria: LabCorp Variant Classification Summary - May 2015. Collection method: clinical testing. Allele origin: germline.
Comment: Variant summary: CTC1 c.2831dupC (p.His945SerfsX56) results in a premature termination codon, predicted to cause a truncation of the encoded protein or absence of the protein due to nonsense mediated decay, which are commonly known mechanisms for disease. The variant allele was found at a frequency of 1.2e-05 in 249486 control chromosomes (gnomAD). c.2831dupC has been reported in the compound heterozygous state in the literature in an individual affected with Coats plus (Anderson_2012). To our knowledge, no experimental evidence demonstrating an impact on protein function has been reported. Two clinical diagnostic laboratories have submitted clinical-significance assessments for this variant to ClinVar after 2014 and both classified the variant as pathogenic. Based on the evidence outlined above, the variant was classified as likely pathogenic.

Genetic Services Laboratory, University of Chicago
Classification: Pathogenic. Last evaluated: 2020-11-30. Review status: criteria provided, single submitter. Criteria: ACMG Guidelines, 2015. Collection method: clinical testing. Allele origin: germline. Affected: yes.
Comment: DNA sequence analysis of the CTC1 gene demonstrated a single base pair duplication in exon 17, c.2831dup. This pathogenic sequence change results in an amino acid frameshift and creates a premature stop codon 55 amino acids downstream of the change, p.His945Serfs*56. This sequence change is predicted to result in an abnormal transcript, which may be degraded, or may lead to the production of a truncated CTC1 protein with potentially abnormal function. This sequence change has previously been described in a patient with Coats Plus disease in a compound heterozygous state with another splice site variant (PMID: 22267198). This sequence change has been described in the gnomAD database with a low population frequency of 0.0014% (dbSNP rs779650334); it has been observed in 4 heterozygous individuals.

Literature cited by the submitters: PubMed 22267198 (cited by Labcorp Genetics (formerly Invitae), Labcorp and Women's Health and Genetics/Laboratory Corporation of America, LabCorp); PubMed 22387016 (cited by Labcorp Genetics (formerly Invitae), Labcorp).